The following is an entry in ClinVar:

ClinVar aggregate classification (germline): Likely benign (1 of 4 stars; one submission).

gnomAD v4.1: 115 of 1,614,038 alleles (0.0071%); highest among the groups gnomAD compares: Middle Eastern, 0.016%; no homozygotes.

Submission:

CeGaT Center for Human Genetics Tuebingen
Classification: Likely benign. Last evaluated: 2026-06-01. Review status: criteria provided, single submitter. Criteria: CeGaT Center For Human Genetics Tuebingen Variant Classification Criteria Version 2. Collection method: clinical testing. Allele origin: germline. Affected: yes. Observed: 1 variant allele.
Comment: ADGRA2: BP4, BP7

NM_032777.10(ADGRA2):c.1362C>T (p.Ala454=)

Gene: ADGRA2 (adhesion G protein-coupled receptor A2; plus strand). Cytogenetic location: 8p11.23.
Variant type: single nucleotide variant.
Coding change: c.1362C>T on transcript NM_032777.10 (MANE Select); coding-DNA position 1362, C replaced by T.
Protein change: p.Ala454=; no amino-acid change (alanine 454 retained).
Molecular consequence: synonymous variant.
Genome position (GRCh38, 1-based): chr8:37,833,753, C>T. VCF-style: chr8-37833753-C-T. GRCh37 (hg19) VCF-style: chr8-37691271-C-T.
Identifiers: ClinVar variation 4873163 (VCV004873163.2).